The following is an entry in ClinVar:

NM_000091.5(COL4A3):c.3176C>A (p.Ser1059Ter)

Genes: COL4A3 (collagen type IV alpha 3 chain; plus strand), MFF-DT (MFF divergent transcript; minus strand). Cytogenetic location: 2q36.3.
Variant type: single nucleotide variant.
Coding change: c.3176C>A on transcript NM_000091.5 (MANE Select); coding-DNA position 3176, C replaced by A.
Protein change: p.Ser1059Ter; replaces serine 1059 with a stop codon.
Molecular consequence: nonsense.
Genome position (GRCh38, 1-based): chr2:227,290,852, C>A. VCF-style: chr2-227290852-C-A. GRCh37 (hg19) VCF-style: chr2-228155568-C-A.
Other names: short protein forms S1059*.
Identifiers: ClinVar variation 983594 (VCV000983594.3), dbSNP rs2072651666, ClinGen allele CA350855943.

ClinVar aggregate classification (germline): Likely pathogenic (1 of 4 stars; one submission).

Conditions:
Autosomal recessive Alport syndrome (ATS2). Also called: ALPORT SYNDROME 2, AUTOSOMAL RECESSIVE; Alport syndrome type 2; COL4A4 Alport Syndrome and Thin Basement Membrane Nephropathy; COL4A3-Related Nephropathy. Identifiers: Orphanet 63, Orphanet 88919, MedGen C4746745, MONDO:0008762, OMIM 203780.

Submission:

Myriad Genetics, Inc.
Classification: Likely pathogenic for Autosomal recessive Alport syndrome. Last evaluated: 2019-05-29. Review status: criteria provided, single submitter. Criteria: Myriad Women's Health Autosomal Recessive and X-Linked Classification Criteria (2019). Collection method: clinical testing. Allele origin: unknown.
Comment: NM_000091.4(COL4A3):c.3176C>A(S1059*) is expected to be pathogenic in the context of COL4A3-related Alport syndrome. This variant is predicted to lead to an abnormal or absent protein product due to the creation of a premature termination codon in COL4A3, a gene where loss-of-function variants are known to be pathogenic. Please note: this variant was assessed in the context of healthy population screening.